The following is an entry in ClinVar:

ClinVar aggregate classification (germline): Uncertain significance (1 of 4 stars; one submission).

Conditions:
Charcot-Marie-Tooth disease axonal type 2P. Also called: Charcot-Marie-Tooth Neuropathy Type 2G; CHARCOT-MARIE-TOOTH NEUROPATHY, TYPE 2P; CHARCOT-MARIE-TOOTH DISEASE, AXONAL, TYPE 2G; CMT 2G. Identifiers: Orphanet 300319, Orphanet 99941, MedGen C3280797, MONDO:0013753, OMIM 614436.

Submission:

Labcorp Genetics (formerly Invitae), Labcorp
Classification: Uncertain significance for Charcot-Marie-Tooth disease axonal type 2P. Last evaluated: 2022-10-13. Review status: criteria provided, single submitter. Criteria: Invitae Variant Classification Sherloc (09022015). Collection method: clinical testing. Allele origin: germline.
Comment: In summary, the available evidence is currently insufficient to determine the role of this variant in disease. Therefore, it has been classified as a Variant of Uncertain Significance. Advanced modeling of protein sequence and biophysical properties (such as structural, functional, and spatial information, amino acid conservation, physicochemical variation, residue mobility, and thermodynamic stability) performed at Invitae indicates that this missense variant is not expected to disrupt LRSAM1 protein function. ClinVar contains an entry for this variant (Variation ID: 1357472). This variant has not been reported in the literature in individuals affected with LRSAM1-related conditions. This variant is not present in population databases (gnomAD no frequency). This sequence change replaces asparagine, which is neutral and polar, with isoleucine, which is neutral and non-polar, at codon 230 of the LRSAM1 protein (p.Asn230Ile).

NM_001005373.4(LRSAM1):c.689A>T (p.Asn230Ile)

Gene: LRSAM1 (leucine rich repeat and sterile alpha motif containing 1; plus strand). Cytogenetic location: 9q33.3.
Variant type: single nucleotide variant.
Coding change: c.689A>T on transcript NM_001005373.4 (MANE Select); coding-DNA position 689, A replaced by T.
Protein change: p.Asn230Ile; replaces asparagine 230 with isoleucine.
Molecular consequence: missense variant. On other transcripts: 5 prime UTR variant (1), non-coding transcript variant (2).
Genome position (GRCh38, 1-based): chr9:127,473,870, A>T. VCF-style: chr9-127473870-A-T. GRCh37 (hg19) VCF-style: chr9-130236149-A-T.
Other names: c.689A>T, p.Asn230Ile (NM_001005374.4, NM_001190723.3, NM_001384142.1 and 2 more transcripts); c.-96A>T (NM_001384144.1); short protein forms N230I.
Identifiers: ClinVar variation 1357472 (VCV001357472.8), dbSNP rs2132047940, ClinGen allele CA374929755.
Genomic context (GRCh38, chr9:127,473,870, plus strand): 5'-TGGAATACTACCCCCCTTCTCAGTACTTGCTGCCAATTCTGGAGCAAGATGGAATCGAGA[A>T]CTCTCGGGACAGCCCTGATGGGCCCACGGACAGATTCTCAAGGGAGGAGTTAGAGTGGCA-3'
Protein context (NP_001005373.1, residues 220-240): LPILEQDGIE[Asn230Ile]SRDSPDGPTD